The following is an entry in ClinVar:

ClinVar aggregate classification (germline): Likely benign (0 of 4 stars; one submission).

Conditions:
ULK4-related disorder. Also called: ULK4-related condition.

Allele frequency attached by ClinVar (database versions not stated): gnomAD 0.00005; TOPMed 0.00017; ExAC 0.00043.
gnomAD v4.1: 145 of 1,597,064 alleles (0.0091%); highest among the groups gnomAD compares: Admixed American, 0.25%; no homozygotes.

Submission:

PreventionGenetics, part of Exact Sciences
Classification: Likely benign for ULK4-related condition. Last evaluated: 2019-02-27. Review status: no assertion criteria provided. Collection method: clinical testing. Allele origin: germline.
Comment: This variant is classified as likely benign based on ACMG/AMP sequence variant interpretation guidelines (Richards et al. 2015 PMID: 25741868, with internal and published modifications).

NM_017886.4(ULK4):c.1160A>G (p.Gln387Arg)

Gene: ULK4 (unc-51 like kinase 4; minus strand). Cytogenetic location: 3p22.1.
Variant type: single nucleotide variant.
Coding change: c.1160A>G on transcript NM_017886.4 (MANE Select); coding-DNA position 1160, A replaced by G.
Protein change: p.Gln387Arg; replaces glutamine 387 with arginine.
Molecular consequence: missense variant. On other transcripts: non-coding transcript variant (1).
Genome position (GRCh38, 1-based): chr3:41,907,867, T>C on the plus strand (A>G on the coding strand, the complement: ULK4 is on the minus strand). VCF-style: chr3-41907867-T-C. GRCh37 (hg19) VCF-style: chr3-41949359-T-C.
Other names: c.1160A>G, p.Gln387Arg (NM_001322500.2); c.254A>G, p.Gln85Arg (NM_001322501.2); short protein forms Q387R, Q85R.
Identifiers: ClinVar variation 3051002 (VCV003051002.2), dbSNP rs774968257, ClinGen allele CA2332440.
Genomic context (GRCh38, chr3:41,907,867, plus strand): 5'-CATCTTATGTAGGAAGAAAATTTCCCAAGTCTGCTCACCTTGGTCAGAGGAGAAGTCTTC[T>C]GTGGTGAACAGTGAGTCATATCCTCACCAGGACTTACTTCCACTGCAGTGCTAGTTCTGG-3'
Protein context (NP_060356.2, residues 377-397): PGEDMTHCSP[Gln387Arg]KTSPLTKITS